The following is an entry in ClinVar:

NM_001128148.3(TFRC):c.1085C>T (p.Thr362Ile)

Gene: TFRC (transferrin receptor; minus strand). Cytogenetic location: 3q29.
Variant type: single nucleotide variant.
Coding change: c.1085C>T on transcript NM_001128148.3 (MANE Select); coding-DNA position 1085, C replaced by T.
Protein change: p.Thr362Ile; replaces threonine 362 with isoleucine.
Molecular consequence: missense variant.
Genome position (GRCh38, 1-based): chr3:196,065,556, G>A on the plus strand (C>T on the coding strand, the complement: TFRC is on the minus strand). VCF-style: chr3-196065556-G-A. GRCh37 (hg19) VCF-style: chr3-195792427-G-A.
Other names: c.842C>T, p.Thr281Ile (NM_001313965.2); c.239C>T, p.Thr80Ile (NM_001313966.2); c.1085C>T, p.Thr362Ile (NM_003234.4); short protein forms T281I, T362I, T80I.
Identifiers: ClinVar variation 3968005 (VCV003968005.2).

ClinVar aggregate classification (germline): Uncertain significance. Review status: criteria provided, multiple submitters, no conflicts (2 of 4 stars). 2 submissions from 2 submitters: Uncertain significance (2). Last evaluated 2025-03-16.

Conditions:
Inborn genetic diseases. Identifiers: MedGen C0950123, MeSH D030342.

Submissions (2):

Ambry Genetics
Classification: Uncertain significance for Inborn genetic diseases. Last evaluated: 2025-03-16. Review status: criteria provided, single submitter. Criteria: Ambry Variant Classification Scheme 2023. Collection method: clinical testing. Allele origin: germline.

Labcorp Genetics (formerly Invitae), Labcorp
Classification: Uncertain significance. Last evaluated: 2025-02-25. Review status: criteria provided, single submitter. Criteria: Invitae Variant Classification Sherloc (09022015). Collection method: clinical testing. Allele origin: germline.
Comment: This sequence change replaces threonine, which is neutral and polar, with isoleucine, which is neutral and non-polar, at codon 362 of the TFRC protein (p.Thr362Ile). This variant is not present in population databases (gnomAD no frequency). This variant has not been reported in the literature in individuals affected with TFRC-related conditions. Invitae Evidence Modeling of protein sequence and biophysical properties (such as structural, functional, and spatial information, amino acid conservation, physicochemical variation, residue mobility, and thermodynamic stability) indicates that this missense variant is not expected to disrupt TFRC protein function with a negative predictive value of 80%. In summary, the available evidence is currently insufficient to determine the role of this variant in disease. Therefore, it has been classified as a Variant of Uncertain Significance.